The following is an entry in ClinVar:

ClinVar aggregate classification (germline): Uncertain significance. Review status: criteria provided, multiple submitters, no conflicts (2 of 4 stars). 2 submissions from 2 submitters: Uncertain significance (2). Last evaluated 2026-06-12.

Conditions:
HK1-related disorder. Also called: HK1-related condition; HK1-related disorders.

gnomAD v4.1: 19 of 1,614,002 alleles (0.0012%); highest among the groups gnomAD compares: East Asian, 0.0045%; no homozygotes.

Submissions (2):

PreventionGenetics, part of Exact Sciences
Classification: Uncertain significance for HK1-related condition. Last evaluated: 2026-06-12. Review status: criteria provided, single submitter. Criteria: ACMG Guidelines, 2015. Collection method: clinical testing. Allele origin: germline.
Comment: The HK1 c.1681G>A variant is predicted to result in the amino acid substitution p.Ala561Thr. To our knowledge, this variant has not been reported in the literature. This variant is reported in 0.0062% of alleles in individuals of African descent in gnomAD. At this time, the clinical significance of this variant is uncertain due to the absence of conclusive functional and genetic evidence.

Labcorp Genetics (formerly Invitae), Labcorp
Classification: Uncertain significance. Last evaluated: 2024-12-03. Review status: criteria provided, single submitter. Criteria: Invitae Variant Classification Sherloc (09022015). Collection method: clinical testing. Allele origin: germline.
Comment: This sequence change replaces alanine, which is neutral and non-polar, with threonine, which is neutral and polar, at codon 561 of the HK1 protein (p.Ala561Thr). This variant is present in population databases (rs780474391, gnomAD 0.007%). This variant has not been reported in the literature in individuals affected with HK1-related conditions. Invitae Evidence Modeling of protein sequence and biophysical properties (such as structural, functional, and spatial information, amino acid conservation, physicochemical variation, residue mobility, and thermodynamic stability) indicates that this missense variant is not expected to disrupt HK1 protein function with a negative predictive value of 80%. In summary, the available evidence is currently insufficient to determine the role of this variant in disease. Therefore, it has been classified as a Variant of Uncertain Significance.

NM_000188.3(HK1):c.1681G>A (p.Ala561Thr)

Gene: HK1 (hexokinase 1; plus strand). Cytogenetic location: 10q22.1.
Variant type: single nucleotide variant.
Coding change: c.1681G>A on transcript NM_000188.3 (MANE Select); coding-DNA position 1681, G replaced by A.
Protein change: p.Ala561Thr; replaces alanine 561 with threonine.
Molecular consequence: missense variant.
Genome position (GRCh38, 1-based): chr10:69,384,443, G>A. VCF-style: chr10-69384443-G-A. GRCh37 (hg19) VCF-style: chr10-71144199-G-A.
Other names: c.1585G>A, p.Ala529Thr (NM_001322367.1); c.1693G>A, p.Ala565Thr (NM_001358263.1, NM_033497.3, NM_033498.3 and 1 more transcripts); c.1678G>A, p.Ala560Thr (NM_033496.3); c.1645G>A, p.Ala549Thr (NM_033500.2); c.1786G>A, p.Ala596Thr (NM_001322365.2); c.1597G>A, p.Ala533Thr (NM_001322366.1); c.1681G>A (NM_000188.2); short protein forms A529T, A533T, A549T, A560T, A561T, A565T, A596T.
Identifiers: ClinVar variation 3621482 (VCV003621482.3).
Genomic context (GRCh38, chr10:69,384,443, plus strand): 5'-CTGCTGGTGAAAATCCGTAGTGGGAAAAAGAGAACGGTGGAAATGCACAACAAGATCTAC[G>A]CCATTCCTATTGAAATCATGCAGGGCACTGGGGAAGAGGTGAGATTACAAAACCATAGTG-3'
Protein context (NP_000179.2, residues 551-571): RTVEMHNKIY[Ala561Thr]IPIEIMQGTG